The following is an entry in ClinVar:

NM_024753.5(TTC21B):c.*974C>G

Gene: TTC21B (tetratricopeptide repeat domain 21B; minus strand). Cytogenetic location: 2q24.3.
Variant type: single nucleotide variant.
Coding change: c.*974C>G on transcript NM_024753.5 (MANE Select); 974 bases downstream of the stop codon, C replaced by G.
Molecular consequence: 3 prime UTR variant.
Genome position (GRCh38, 1-based): chr2:165,873,781, G>C on the plus strand (C>G on the coding strand, the complement: TTC21B is on the minus strand). VCF-style: chr2-165873781-G-C. GRCh37 (hg19) VCF-style: chr2-166730291-G-C.
Identifiers: ClinVar variation 893253 (VCV000893253.4), dbSNP rs145794135, ClinGen allele CA59762461.

ClinVar aggregate classification (germline): Benign. Review status: criteria provided, single submitter (1 of 4 stars). 2 submissions from 1 submitter: Benign (2). Last evaluated 2018-01-13.

Conditions:
Nephronophthisis 12 (NPHP12). Identifiers: Orphanet 655, MedGen C3151186, MONDO:0013442, OMIM 613820.
Asphyxiating thoracic dystrophy 4 (SRTD4). Also called: SHORT-RIB THORACIC DYSPLASIA 4 WITH OR WITHOUT POLYDACTYLY; SHORT-RIB THORACIC DYSPLASIA 4. Identifiers: Orphanet 474, MedGen C3151185, MONDO:0013441, OMIM 613819.

Allele frequency attached by ClinVar (database versions not stated): gnomAD 0.00931 and 0.01001; 1000 Genomes Project 0.00998; 1000 Genomes Project 30x 0.01046; TOPMed 0.01093.

Submissions (2):

Illumina Laboratory Services, Illumina
Classification: Benign for Nephronophthisis 12. Last evaluated: 2018-01-13. Review status: criteria provided, single submitter. Criteria: ICSL Variant Classification Criteria 13 December 2019. Collection method: clinical testing. Allele origin: germline.
Comment: This variant was observed in the ICSL laboratory as part of a predisposition screen in an ostensibly healthy population. It had not been previously curated by ICSL or reported in the Human Gene Mutation Database (HGMD: prior to June 1st, 2018), and was therefore a candidate for classification through an automated scoring system. Utilizing variant allele frequency, disease prevalence and penetrance estimates, and inheritance mode, an automated score was calculated to assess if this variant is too frequent to cause the disease. Based on the score and internal cut-off values, a variant classified as benign is not then subjected to further curation. The score for this variant resulted in a classification of benign for this disease.

Illumina Laboratory Services, Illumina
Classification: Benign for Asphyxiating thoracic dystrophy 4. Last evaluated: 2018-01-13. Review status: criteria provided, single submitter. Criteria: ICSL Variant Classification Criteria 13 December 2019. Collection method: clinical testing. Allele origin: germline.
Comment: the same text as in the submission from Illumina Laboratory Services, Illumina above.